The following is an entry in ClinVar:

NM_016599.5(MYOZ2):c.666T>A (p.Phe222Leu)

Gene: MYOZ2 (myozenin 2; plus strand). Cytogenetic location: 4q26.
Variant type: single nucleotide variant.
Coding change: c.666T>A on transcript NM_016599.5 (MANE Select); coding-DNA position 666, T replaced by A.
Protein change: p.Phe222Leu; replaces phenylalanine 222 with leucine.
Molecular consequence: missense variant.
Genome position (GRCh38, 1-based): chr4:119,186,071, T>A. VCF-style: chr4-119186071-T-A. GRCh37 (hg19) VCF-style: chr4-120107226-T-A.
Other names: c.666T>A (NM_016599.4); short protein forms F222L.
Identifiers: ClinVar variation 191744 (VCV000191744.3), dbSNP rs201971682, ClinGen allele CA237433.
Genomic context (GRCh38, chr4:119,186,071, plus strand): 5'-TAAATTTAAAGTTCCAGATTTTGAGCTACTATTGCTAACAGATCCCAGGTTTATGTCCTT[T>A]GTCAATCCCCTTTCTGGCAGACGGTCCTTTAATAGGACTCCTAAGGGATGGATATCTGAG-3'
Protein context (NP_057683.1, residues 212-232): LLLTDPRFMS[Phe222Leu]VNPLSGRRSF

ClinVar aggregate classification (germline): Conflicting classifications of pathogenicity. Review status: criteria provided, conflicting classifications (1 of 4 stars). 3 submissions from 3 submitters: Uncertain significance (2); Likely benign (1). Last evaluated 2024-04-02.

Conditions:
Hypertrophic cardiomyopathy 16. Identifiers: MedGen C3151204, MONDO:0013455, OMIM 613838.
Cardiovascular phenotype. Identifiers: MedGen CN230736.

Allele frequency attached by ClinVar (database versions not stated): TOPMed below 0.00001; gnomAD 0.00001.
gnomAD v4.1: 1 of 1,613,984 alleles (0.000062%); highest among the groups gnomAD compares: African/African-American, 0.0013%; no homozygotes.

Submissions (3):

Ambry Genetics
Classification: Likely benign for Cardiovascular phenotype. Last evaluated: 2024-04-02. Review status: criteria provided, single submitter. Criteria: Ambry Variant Classification Scheme 2023. Collection method: clinical testing. Allele origin: germline.

Fulgent Genetics
Classification: Uncertain significance for Hypertrophic cardiomyopathy 16. Last evaluated: 2021-09-28. Review status: criteria provided, single submitter. Criteria: ACMG Guidelines, 2015. Collection method: clinical testing. Allele origin: unknown.

Biesecker Lab/Clinical Genomics Section, National Institutes of Health
Classification: Uncertain significance. Last evaluated: 2013-06-24. Review status: criteria provided, single submitter. Criteria: Ng et al. (Circ Cardiovasc Genet. 2013). Collection method: research. Allele origin: unknown. Observed: 1 variant allele. Study: ClinSeq.
Comment: The study set was not selected for affection status in relation to any cancer. Pathogenicity categories were based on literature curation. See Pubmed ID:23861362 for details.

Medical sequencing